The following is an entry in ClinVar:

NM_000540.3(RYR1):c.4140C>T (p.Thr1380=)

Gene: RYR1 (ryanodine receptor 1; plus strand). Cytogenetic location: 19q13.2.
Variant type: single nucleotide variant.
Coding change: c.4140C>T on transcript NM_000540.3 (MANE Select); coding-DNA position 4140, C replaced by T.
Protein change: p.Thr1380=; no amino-acid change (threonine 1380 retained).
Molecular consequence: synonymous variant.
Genome position (GRCh38, 1-based): chr19:38,473,751, C>T. VCF-style: chr19-38473751-C-T. GRCh37 (hg19) VCF-style: chr19-38964391-C-T.
Other names: c.4140C>T, p.Thr1380= (NM_001042723.2).
Identifiers: ClinVar variation 2782454 (VCV002782454.4), dbSNP rs906718764, ClinGen allele CA308079854.

ClinVar aggregate classification (germline): Likely benign. Review status: criteria provided, multiple submitters, no conflicts (2 of 4 stars). 2 submissions from 2 submitters: Likely benign (2). Last evaluated 2025-12-24.

Conditions:
Malignant hyperthermia, susceptibility to, 1 (MHS1). Also called: Malignant hyperthermia suceptibility 1; Anesthesia related hyperthermia; Malignant hyperpyrexia; Fulminating hyperpyrexia; Pharmacogenic myopathy; RYR1-Related Malignant Hyperthermia Susceptibility. Identifiers: Orphanet 423, MedGen C2930980, MONDO:0007783, OMIM 145600.
RYR1-related disorder. Also called: RYR1-related condition; RYR1-related disorders. Identifiers: MedGen CN239331.

Allele frequency attached by ClinVar (database versions not stated): gnomAD exomes below 0.00001; TOPMed below 0.00001; gnomAD 0.00001.

Submissions (2):

Labcorp Genetics (formerly Invitae), Labcorp
Classification: Likely benign for RYR1-related disorder. Last evaluated: 2025-12-24. Review status: criteria provided, single submitter. Criteria: Invitae Variant Classification Sherloc (09022015). Collection method: clinical testing. Allele origin: germline.

All of Us Research Program, National Institutes of Health
Classification: Likely benign for Malignant hyperthermia, susceptibility to, 1. Last evaluated: 2023-12-01. Review status: criteria provided, single submitter. Criteria: ACMG Guidelines, 2015. Collection method: clinical testing. Allele origin: germline. Inheritance: Autosomal dominant inheritance. Observed: 2 variant alleles, 2 heterozygotes.
Comment: This study involves interpretation of variants in research participants for the purpose of population health screening. Participant phenotype was not available at the time of variant classification. Additional details can be found in publication PMID: 35346344, PMCID: PMC8962531